The following is an entry in ClinVar:

ClinVar aggregate classification (germline): Uncertain significance (1 of 4 stars; one submission).

Conditions:
Mucopolysaccharidosis, MPS-III-A (MPS3A). Also called: Mucopolysaccharidosis type IIIA (Sanfilippo A); HEPARAN SULFATE SULFATASE DEFICIENCY; SANFILIPPO SYNDROME A; SULFAMIDASE DEFICIENCY; MPS III A; MUCOPOLYSACCHARIDOSIS, TYPE IIIA, ATTENUATED. Identifiers: Orphanet 581, Orphanet 79269, MedGen C0086647, MONDO:0009655, OMIM 252900.

Submission:

Labcorp Genetics (formerly Invitae), Labcorp
Classification: Uncertain significance for Mucopolysaccharidosis, MPS-III-A. Last evaluated: 2022-09-01. Review status: criteria provided, single submitter. Criteria: Invitae Variant Classification Sherloc (09022015). Collection method: clinical testing. Allele origin: germline.
Comment: Algorithms developed to predict the effect of missense changes on protein structure and function output the following: SIFT: "Tolerated"; PolyPhen-2: "Benign"; Align-GVGD: "Class C0". The glutamic acid amino acid residue is found in multiple mammalian species, which suggests that this missense change does not adversely affect protein function. In summary, the available evidence is currently insufficient to determine the role of this variant in disease. Therefore, it has been classified as a Variant of Uncertain Significance. This sequence change replaces lysine, which is basic and polar, with glutamic acid, which is acidic and polar, at codon 339 of the SGSH protein (p.Lys339Glu). This variant is not present in population databases (gnomAD no frequency). This variant has not been reported in the literature in individuals affected with SGSH-related conditions.

NM_000199.5(SGSH):c.1015A>G (p.Lys339Glu)

Gene: SGSH (N-sulfoglucosamine sulfohydrolase; minus strand). Cytogenetic location: 17q25.3.
Variant type: single nucleotide variant.
Coding change: c.1015A>G on transcript NM_000199.5 (MANE Select); coding-DNA position 1015, A replaced by G.
Protein change: p.Lys339Glu; replaces lysine 339 with glutamic acid.
Molecular consequence: missense variant. On other transcripts: 3 prime UTR variant (2), non-coding transcript variant (1).
Genome position (GRCh38, 1-based): chr17:80,210,946, T>C on the plus strand (A>G on the coding strand, the complement: SGSH is on the minus strand). VCF-style: chr17-80210946-T-C. GRCh37 (hg19) VCF-style: chr17-78184745-T-C.
Other names: c.*102A>G (NM_001352921.3); c.*65A>G (NM_001352922.2); short protein forms K339E.
Identifiers: ClinVar variation 1718607 (VCV001718607.5), dbSNP rs2510861545, ClinGen allele CA401359313.